The following is an entry in ClinVar:

NM_000719.7(CACNA1C):c.1114-292C>G

Gene: CACNA1C (calcium voltage-gated channel subunit alpha1 C; plus strand). Cytogenetic location: 12p13.33.
Variant type: single nucleotide variant.
Coding change: c.1114-292C>G on transcript NM_000719.7 (MANE Select); 292 bases into the intron before coding-DNA position 1114, C replaced by G.
Molecular consequence: intron variant.
Genome position (GRCh38, 1-based): chr12:2,504,550, C>G. VCF-style: chr12-2504550-C-G. GRCh37 (hg19) VCF-style: chr12-2613716-C-G.
Other names: c.1217+11C>G (NM_001167624.3, NM_001167623.2, NM_001167625.2 and 1 more transcripts); c.1114-292C>G (NM_199460.4, NM_001129827.2, NM_001129832.2 and 14 more transcripts); c.1105-292C>G (NM_001129844.2).
Identifiers: ClinVar variation 512978 (VCV000512978.1), dbSNP rs2238087, ClinGen allele CA658797828.
Genomic context (GRCh38, chr12:2,504,550, plus strand): 5'-ATCTTTGGATCCTTTTTCGTTCTAAATCTGGTTCTCGGTGTGTTGAGCGGGTAAGCTGAC[C>G]GTTTCTATGTCCTCTCCACAACGCAGCCGAGCAAGGTCTCAGGTTCCACTCCGTACATGC-3'

ClinVar aggregate classification (germline): Likely benign (1 of 4 stars; one submission).

gnomAD v4.1: 1 of 1,483,948 alleles (0.000067%); highest among the groups gnomAD compares: East Asian, 0.0023%; no homozygotes.

Submission:

GeneDx
Classification: Likely benign. Last evaluated: 2017-11-03. Review status: criteria provided, single submitter. Criteria: GeneDx Variant Classification (06012015). Collection method: clinical testing. Allele origin: germline. Affected: yes.
Comment: This variant is considered likely benign or benign based on one or more of the following criteria: it is a conservative change, it occurs at a poorly conserved position in the protein, it is predicted to be benign by multiple in silico algorithms, and/or has population frequency not consistent with disease.